The following is an entry in ClinVar:

NM_001080517.3(SETD5):c.1081C>G (p.Arg361Gly)

Gene: SETD5 (SET domain containing 5; plus strand). Cytogenetic location: 3p25.3.
Variant type: single nucleotide variant.
Coding change: c.1081C>G on transcript NM_001080517.3 (MANE Select); coding-DNA position 1081, C replaced by G.
Protein change: p.Arg361Gly; replaces arginine 361 with glycine.
Molecular consequence: missense variant.
Genome position (GRCh38, 1-based): chr3:9,443,311, C>G. VCF-style: chr3-9443311-C-G. GRCh37 (hg19) VCF-style: chr3-9484995-C-G.
Other names: c.787C>G, p.Arg263Gly (NM_001292043.2, NM_001349451.2); short protein forms R263G, R361G.
Identifiers: ClinVar variation 3348836 (VCV003348836.1).

ClinVar aggregate classification (germline): Uncertain significance (0 of 4 stars; one submission).

Conditions:
SETD5-related disorder. Also called: SETD5-related disorders; SETD5-related condition.

Submission:

PreventionGenetics, part of Exact Sciences
Classification: Uncertain significance for SETD5-related condition. Last evaluated: 2024-04-10. Review status: no assertion criteria provided. Collection method: clinical testing. Allele origin: germline.
Comment: The SETD5 c.1081C>G variant is predicted to result in the amino acid substitution p.Arg361Gly. To our knowledge, this variant has not been reported in the literature or in a large population database, indicating this variant is rare. At this time, the clinical significance of this variant is uncertain due to the absence of conclusive functional and genetic evidence.